The following is an entry in ClinVar:

NM_002693.3(POLG):c.32G>T (p.Gly11Val)

Genes: POLG (DNA polymerase gamma, catalytic subunit; minus strand), POLGARF (POLG alternative reading frame; minus strand). Cytogenetic location: 15q26.1.
Variant type: single nucleotide variant.
Coding change: c.32G>T on transcript NM_002693.3 (MANE Select); coding-DNA position 32, G replaced by T.
Protein change: p.Gly11Val; replaces glycine 11 with valine.
Molecular consequence: missense variant.
Genome position (GRCh38, 1-based): chr15:89,333,723, C>A on the plus strand (G>T on the coding strand, the complement: POLG is on the minus strand). VCF-style: chr15-89333723-C-A. GRCh37 (hg19) VCF-style: chr15-89876954-C-A.
Other names: c.32G>T, p.Gly11Val (NM_001126131.2); short protein forms G11V.
Identifiers: ClinVar variation 458713 (VCV000458713.6), dbSNP rs765472726, ClinGen allele CA393775294.
Genomic context (GRCh38, chr15:89,333,723, plus strand): 5'-GGGACGGAGCTGGAGACCCAGCGCCCCGGAGCTGGAACCGGCCCTGGCCCGACGGTGGCG[C>A]CGGCCACCTTCCTCCAGAGCAGGCGGCTCATGGTTGGTGCAGGGACCCCCACGCTGGGAG-3'
Protein context (NP_002684.1, residues 1-21): MSRLLWRKVA[Gly11Val]ATVGPGPVPA

ClinVar aggregate classification (germline): Uncertain significance (1 of 4 stars; one submission).

Conditions:
Progressive sclerosing poliodystrophy (MTDPS4A). Also called: NEURONAL DEGENERATION OF CHILDHOOD WITH LIVER DISEASE, PROGRESSIVE; ALPERS PROGRESSIVE INFANTILE POLIODYSTROPHY; Alpers-Huttenlocher Syndrome (AHS); Mitochondrial DNA depletion syndrome 4A (Alpers type); Mitochondrial DNA Depletion Syndrome 4A; Alpers Syndrome. Identifiers: Orphanet 726, MedGen C0205710, MONDO:0008758, OMIM 203700.

gnomAD v4.1: 12 of 1,536,224 alleles (0.00078%); highest among the groups gnomAD compares: Non-Finnish European, 0.001%; no homozygotes.

Submission:

Labcorp Genetics (formerly Invitae), Labcorp
Classification: Uncertain significance for Progressive sclerosing poliodystrophy. Last evaluated: 2022-08-24. Review status: criteria provided, single submitter. Criteria: Invitae Variant Classification Sherloc (09022015). Collection method: clinical testing. Allele origin: germline.
Comment: This sequence change replaces glycine, which is neutral and non-polar, with valine, which is neutral and non-polar, at codon 11 of the POLG protein (p.Gly11Val). This variant is not present in population databases (gnomAD no frequency). This variant has not been reported in the literature in individuals affected with POLG-related conditions. ClinVar contains an entry for this variant (Variation ID: 458713). Algorithms developed to predict the effect of missense changes on protein structure and function (SIFT, PolyPhen-2, Align-GVGD) all suggest that this variant is likely to be tolerated. In summary, the available evidence is currently insufficient to determine the role of this variant in disease. Therefore, it has been classified as a Variant of Uncertain Significance.